The following is an entry in ClinVar:

NM_003664.5(AP3B1):c.1331A>G (p.Asn444Ser)

Gene: AP3B1 (adaptor related protein complex 3 subunit beta 1; minus strand). Cytogenetic location: 5q14.1.
Variant type: single nucleotide variant.
Coding change: c.1331A>G on transcript NM_003664.5 (MANE Select); coding-DNA position 1331, A replaced by G.
Protein change: p.Asn444Ser; replaces asparagine 444 with serine.
Molecular consequence: missense variant.
Genome position (GRCh38, 1-based): chr5:78,162,851, T>C on the plus strand (A>G on the coding strand, the complement: AP3B1 is on the minus strand). VCF-style: chr5-78162851-T-C. GRCh37 (hg19) VCF-style: chr5-77458675-T-C.
Other names: c.1184A>G, p.Asn395Ser (NM_001271769.2); c.1331A>G (NM_003664.3); short protein forms N444S, N395S.
Identifiers: ClinVar variation 1424928 (VCV001424928.5), dbSNP rs758805835, ClinGen allele CA3317096.
Genomic context (GRCh38, chr5:78,162,851, plus strand): 5'-TGAAAATAAAATGAAACTGTAAACTTACCATCCCTGTTGGACAGCAGACAGACCAAGCCA[T>C]TGAGGCACGTGTCAGTGACTTCCAAGATGTTGGTTGCACATCTGCCTATAGTCTGAATAG-3'
Protein context (NP_003655.3, residues 434-454): NILEVTDTCL[Asn444Ser]GLVCLLSNRD

ClinVar aggregate classification (germline): Uncertain significance. Review status: criteria provided, multiple submitters, no conflicts (2 of 4 stars). 2 submissions from 2 submitters: Uncertain significance (2). Last evaluated 2025-07-15.

Conditions:
Hermansky-Pudlak syndrome 2 (HPS2). Also called: Platelet defects and oculocutaneous albinism. Identifiers: Orphanet 183678, Orphanet 79430, MedGen C1842362, MONDO:0011997, OMIM 608233.
Inborn genetic diseases. Identifiers: MedGen C0950123, MeSH D030342.

Allele frequency attached by ClinVar (database versions not stated): TOPMed 0.00001; ExAC 0.00002; gnomAD exomes 0.00002.
gnomAD v4.1: 22 of 1,614,056 alleles (0.0014%); highest among the groups gnomAD compares: South Asian, 0.015%; no homozygotes.

Submissions (2):

Ambry Genetics
Classification: Uncertain significance for Inborn genetic diseases. Last evaluated: 2025-07-15. Review status: criteria provided, single submitter. Criteria: Ambry Variant Classification Scheme 2023. Collection method: clinical testing. Allele origin: germline.

Labcorp Genetics (formerly Invitae), Labcorp
Classification: Uncertain significance for Hermansky-Pudlak syndrome 2. Last evaluated: 2024-12-07. Review status: criteria provided, single submitter. Criteria: Invitae Variant Classification Sherloc (09022015). Collection method: clinical testing. Allele origin: germline.
Comment: This sequence change replaces asparagine, which is neutral and polar, with serine, which is neutral and polar, at codon 444 of the AP3B1 protein (p.Asn444Ser). This variant is present in population databases (rs758805835, gnomAD 0.01%). This variant has not been reported in the literature in individuals affected with AP3B1-related conditions. ClinVar contains an entry for this variant (Variation ID: 1424928). An algorithm developed to predict the effect of missense changes on protein structure and function outputs the following: PolyPhen-2: "Benign". The serine amino acid residue is found in multiple mammalian species, which suggests that this missense change does not adversely affect protein function. In summary, the available evidence is currently insufficient to determine the role of this variant in disease. Therefore, it has been classified as a Variant of Uncertain Significance.